The following is an entry in ClinVar:

ClinVar aggregate classification (germline): Uncertain significance. Review status: criteria provided, multiple submitters, no conflicts (2 of 4 stars). 2 submissions from 2 submitters: Uncertain significance (2). Last evaluated 2024-04-23.

Conditions:
Hereditary cancer-predisposing syndrome. Also called: Neoplastic Syndromes, Hereditary; Tumor predisposition; Hereditary Cancer Syndrome; Hereditary neoplastic syndrome. Identifiers: Orphanet 140162, MedGen C0027672, MeSH D009386, MONDO:0015356.
Retinoblastoma (RB1). Also called: RETINOBLASTOMA, SOMATIC. Identifiers: Orphanet 790, MedGen C0035335, MeSH D012175, MONDO:0008380, OMIM 180200, HP:0009919. Disease mechanism: loss of function. Inheritance: Both sporadic and heritable forms are tested..

Submissions (2):

Labcorp Genetics (formerly Invitae), Labcorp
Classification: Uncertain significance for Retinoblastoma. Last evaluated: 2024-04-23. Review status: criteria provided, single submitter. Criteria: Invitae Variant Classification Sherloc (09022015). Collection method: clinical testing. Allele origin: germline.
Comment: This sequence change replaces leucine, which is neutral and non-polar, with isoleucine, which is neutral and non-polar, at codon 44 of the RB1 protein (p.Leu44Ile). This variant is not present in population databases (gnomAD no frequency). This variant has not been reported in the literature in individuals affected with RB1-related conditions. ClinVar contains an entry for this variant (Variation ID: 653263). Advanced modeling of protein sequence and biophysical properties (such as structural, functional, and spatial information, amino acid conservation, physicochemical variation, residue mobility, and thermodynamic stability) has been performed at Invitae for this missense variant, however the output from this modeling did not meet the statistical confidence thresholds required to predict the impact of this variant on RB1 protein function. In summary, the available evidence is currently insufficient to determine the role of this variant in disease. Therefore, it has been classified as a Variant of Uncertain Significance.

Ambry Genetics
Classification: Uncertain significance for Hereditary cancer-predisposing syndrome. Last evaluated: 2021-05-25. Review status: criteria provided, single submitter. Criteria: Ambry Variant Classification Scheme 2023. Collection method: clinical testing. Allele origin: germline.
Comment: The p.L44I variant (also known as c.130C>A), located in coding exon 1 of the RB1 gene, results from a C to A substitution at nucleotide position 130. The leucine at codon 44 is replaced by isoleucine, an amino acid with highly similar properties. This amino acid position is well conserved in available vertebrate species. In addition, this alteration is predicted to be tolerated by in silico analysis. Since supporting evidence is limited at this time, the clinical significance of this alteration remains unclear.

NM_000321.3(RB1):c.130C>A (p.Leu44Ile)

Gene: RB1 (RB transcriptional corepressor 1; plus strand). Cytogenetic location: 13q14.2.
Variant type: single nucleotide variant.
Coding change: c.130C>A on transcript NM_000321.3 (MANE Select); coding-DNA position 130, C replaced by A.
Protein change: p.Leu44Ile; replaces leucine 44 with isoleucine.
Molecular consequence: missense variant.
Genome position (GRCh38, 1-based): chr13:48,304,042, C>A. VCF-style: chr13-48304042-C-A. GRCh37 (hg19) VCF-style: chr13-48878178-C-A.
Other names: short protein forms L44I.
Identifiers: ClinVar variation 653263 (VCV000653263.11), dbSNP rs1345893304, ClinGen allele CA388250390.